The following is an entry in ClinVar:

NM_014028.4(OSTM1):c.220C>A (p.Pro74Thr)

Gene: OSTM1 (osteoclastogenesis associated transmembrane protein 1; minus strand). Cytogenetic location: 6q21.
Variant type: single nucleotide variant.
Coding change: c.220C>A on transcript NM_014028.4 (MANE Select); coding-DNA position 220, C replaced by A.
Protein change: p.Pro74Thr; replaces proline 74 with threonine.
Molecular consequence: missense variant.
Genome position (GRCh38, 1-based): chr6:108,074,432, G>T on the plus strand (C>A on the coding strand, the complement: OSTM1 is on the minus strand). VCF-style: chr6-108074432-G-T. GRCh37 (hg19) VCF-style: chr6-108395636-G-T.
Other names: short protein forms P74T.
Identifiers: ClinVar variation 1011174 (VCV001011174.4), dbSNP rs1250384866, ClinGen allele CA365330867.
Genomic context (GRCh38, chr6:108,074,432, plus strand): 5'-TGTTGGCGAAGTCCAGCAGGAGCTCCCGGCACTCAGGATCCAGATCCGGCAGGTCCGGGG[G>T]CAGCGACAGAGGCCCCAGCCCTCCACCCTGCAGGAGGGACAGGGACAAGTCCTCCACCTC-3'
Protein context (NP_054747.2, residues 64-84): QGGGLGPLSL[Pro74Thr]PDLPDLDPEC

ClinVar aggregate classification (germline): Uncertain significance (1 of 4 stars; one submission).

Allele frequency attached by ClinVar (database versions not stated): TOPMed below 0.00001.

Submission:

Labcorp Genetics (formerly Invitae), Labcorp
Classification: Uncertain significance. Last evaluated: 2022-02-11. Review status: criteria provided, single submitter. Criteria: Invitae Variant Classification Sherloc (09022015). Collection method: clinical testing. Allele origin: germline.
Comment: This sequence change replaces proline, which is neutral and non-polar, with threonine, which is neutral and polar, at codon 74 of the OSTM1 protein (p.Pro74Thr). This variant is not present in population databases (gnomAD no frequency). This variant has not been reported in the literature in individuals affected with OSTM1-related conditions. ClinVar contains an entry for this variant (Variation ID: 1011174). Algorithms developed to predict the effect of missense changes on protein structure and function are either unavailable or do not agree on the potential impact of this missense change (SIFT: "Tolerated"; PolyPhen-2: "Probably Damaging"; Align-GVGD: "Class C0"). In summary, the available evidence is currently insufficient to determine the role of this variant in disease. Therefore, it has been classified as a Variant of Uncertain Significance.